The following is an entry in ClinVar:

ClinVar aggregate classification (germline): Uncertain significance (1 of 4 stars; one submission).

Submission:

Labcorp Genetics (formerly Invitae), Labcorp
Classification: Uncertain significance. Last evaluated: 2022-08-08. Review status: criteria provided, single submitter. Criteria: Invitae Variant Classification Sherloc (09022015). Collection method: clinical testing. Allele origin: germline.
Comment: In summary, the available evidence is currently insufficient to determine the role of this variant in disease. Therefore, it has been classified as a Variant of Uncertain Significance. This variant has not been reported in the literature in individuals affected with FAM46A-related conditions. This variant is not present in population databases (gnomAD no frequency). This variant, c.80_81insTGGCGGCGGCGACTTCGGCGGCGGCGACTT, results in the insertion of 10 amino acid(s) of the FAM46A protein (p.Asp36_Gly45dup), but otherwise preserves the integrity of the reading frame.

NM_017633.3(TENT5A):c.80_81insTGGCGGCGGCGACTTCGGCGGCGGCGACTT (p.Gly45_Gly46insAspPheGlyGlyGlyAspPheGlyGlyGly)

Gene: TENT5A (terminal nucleotidyltransferase 5A; minus strand). Cytogenetic location: 6q14.1.
Variant type: Insertion.
Coding change: c.80_81insTGGCGGCGGCGACTTCGGCGGCGGCGACTT on transcript NM_017633.3 (MANE Select); coding-DNA positions 80 to 81, TGGCGGCGGCGACTTCGGCGGCGGCGACTT inserted.
Protein change: p.Gly45_Gly46insAspPheGlyGlyGlyAspPheGlyGlyGly.
Molecular consequence: inframe insertion.
Genome position: GRCh38 VCF-style: chr6-81752061-G-GAAGTCGCCGCCGCCGAAGTCGCCGCCGCCA. GRCh37 (hg19) VCF-style: chr6-82461778-G-GAAGTCGCCGCCGCCGAAGTCGCCGCCGCCA.
Identifiers: ClinVar variation 1966223 (VCV001966223.5), dbSNP rs773128644, ClinGen allele CA2580075920.